The following is an entry in ClinVar:

ClinVar aggregate classification (germline): Conflicting classifications of pathogenicity. Review status: criteria provided, conflicting classifications (1 of 4 stars). 4 submissions from 3 submitters: Uncertain significance (3); Likely benign (1). Last evaluated 2023-12-06.

Conditions:
RYR1-related disorder. Also called: RYR1-related condition; RYR1-related disorders. Identifiers: MedGen CN239331.
Congenital multicore myopathy with external ophthalmoplegia (CMYO1B). Also called: MULTICORE MYOPATHY; Minicore myopathy with external ophthalmoplegia; Congenital myopathy 1B, autosomal recessive; Minicore myopathy; MULTIMINICORE DISEASE WITH EXTERNAL OPHTHALMOPLEGIA. Identifiers: Orphanet 598, Orphanet 98905, MedGen C1850674, MONDO:0009712, OMIM 255320, HP:0003789.
Malignant hyperthermia, susceptibility to, 1 (MHS1). Also called: Anesthesia related hyperthermia; Malignant hyperpyrexia; Fulminating hyperpyrexia; Pharmacogenic myopathy; RYR1-Related Malignant Hyperthermia Susceptibility; Malignant hyperthermia suceptibility 1. Identifiers: Orphanet 423, MedGen C2930980, MONDO:0007783, OMIM 145600.

Allele frequency attached by ClinVar (database versions not stated): TOPMed below 0.00001; gnomAD 0.00001; gnomAD exomes 0.00001 and 0.00002; ExAC 0.00002.

Submissions (4):

Labcorp Genetics (formerly Invitae), Labcorp
Classification: Uncertain significance for RYR1-related disorder. Last evaluated: 2023-12-06. Review status: criteria provided, single submitter. Criteria: Invitae Variant Classification Sherloc (09022015). Collection method: clinical testing. Allele origin: germline.
Comment: This sequence change falls in intron 37 of the RYR1 gene. It does not directly change the encoded amino acid sequence of the RYR1 protein. It affects a nucleotide within the consensus splice site. This variant is present in population databases (rs775568216, gnomAD 0.01%). This variant has not been reported in the literature in individuals affected with RYR1-related conditions. ClinVar contains an entry for this variant (Variation ID: 329045). Variants that disrupt the consensus splice site are a relatively common cause of aberrant splicing (PMID: 17576681, 9536098). Algorithms developed to predict the effect of sequence changes on RNA splicing suggest that this variant is not likely to affect RNA splicing. In summary, the available evidence is currently insufficient to determine the role of this variant in disease. Therefore, it has been classified as a Variant of Uncertain Significance.

Color Diagnostics, LLC DBA Color Health
Classification: Likely benign for Malignant hyperthermia, susceptibility to, 1. Last evaluated: 2022-12-12. Review status: criteria provided, single submitter. Criteria: ACMG Guidelines, 2015. Collection method: clinical testing. Allele origin: germline.

Illumina Laboratory Services, Illumina
Classification: Uncertain significance for Congenital multicore myopathy with external ophthalmoplegia. Last evaluated: 2018-01-13. Review status: criteria provided, single submitter. Criteria: ICSL Variant Classification Criteria 13 December 2019. Collection method: clinical testing. Allele origin: germline.

Illumina Laboratory Services, Illumina
Classification: Uncertain significance for Malignant hyperthermia, susceptibility to, 1. Last evaluated: 2018-01-13. Review status: criteria provided, single submitter. Criteria: ICSL Variant Classification Criteria 13 December 2019. Collection method: clinical testing. Allele origin: germline.

Literature cited by the submitters: PubMed 17576681 (cited by Labcorp Genetics (formerly Invitae), Labcorp); PubMed 9536098 (cited by Labcorp Genetics (formerly Invitae), Labcorp).

NM_000540.3(RYR1):c.6128-3C>T

Gene: RYR1 (ryanodine receptor 1; plus strand). Cytogenetic location: 19q13.2.
Variant type: single nucleotide variant.
Coding change: c.6128-3C>T on transcript NM_000540.3 (MANE Select); 3 bases into the intron before coding-DNA position 6128, C replaced by T.
Molecular consequence: intron variant.
Genome position (GRCh38, 1-based): chr19:38,492,487, C>T. VCF-style: chr19-38492487-C-T. GRCh37 (hg19) VCF-style: chr19-38983127-C-T.
Other names: c.6128-3C>T (NM_001042723.2).
Identifiers: ClinVar variation 329045 (VCV000329045.12), dbSNP rs775568216, ClinGen allele CA067804.
Genomic context (GRCh38, chr19:38,492,487, plus strand): 5'-TGTGTAAGCAGGTGAATAAGCAAACTAATGAATGACATTTCCCGCCTTCTTGACCACTTC[C>T]AGGAATTCAGCTAGATGGAGAGGAGGAGGAACCAGAGGAAGAGACCACCCTGGGCAGCCG-3'